The following is an entry in ClinVar:

ClinVar aggregate classification (germline): Pathogenic (1 of 4 stars; one submission).

Submission:

GeneDx
Classification: Pathogenic. Last evaluated: 2016-06-24. Review status: criteria provided, single submitter. Criteria: GeneDx Variant Classification (06012015). Collection method: clinical testing. Allele origin: germline. Affected: yes.
Comment: The E1302X nonsense pathogenic variant in the TSC2 gene is predicted to cause loss of normal protein function either through protein truncation or nonsense-mediated mRNA decay. It was not observed in approximately 6,400 individuals of European and African American ancestry in the NHLBI Exome Sequencing Project, indicating it is not a common benign variant in these populations.

NM_000548.5(TSC2):c.3904G>T (p.Glu1302Ter)

Gene: TSC2 (TSC complex subunit 2; plus strand). Cytogenetic location: 16p13.3.
Variant type: single nucleotide variant.
Coding change: c.3904G>T on transcript NM_000548.5 (MANE Select); coding-DNA position 3904, G replaced by T.
Protein change: p.Glu1302Ter; replaces glutamic acid 1302 with a stop codon.
Molecular consequence: nonsense.
Genome position (GRCh38, 1-based): chr16:2,083,715, G>T. VCF-style: chr16-2083715-G-T. GRCh37 (hg19) VCF-style: chr16-2133716-G-T.
Other names: c.3703G>T, p.Glu1235Ter (NM_001077183.3); c.3835G>T, p.Glu1279Ter (NM_001114382.3); c.3595G>T, p.Glu1199Ter (NM_001318827.2); c.3559G>T, p.Glu1187Ter (NM_001318829.2); c.3172G>T, p.Glu1058Ter (NM_001318831.2); c.3736G>T, p.Glu1246Ter (NM_001318832.2); c.3706G>T, p.Glu1236Ter (NM_001363528.2); c.3772G>T, p.Glu1258Ter (NM_001370404.1); and 1 more; short protein forms E1302*, E1236*, E1279*, E1246*, E1258*, E1199*, E1235*, E1259*.
Identifiers: ClinVar variation 265629 (VCV000265629.2), dbSNP rs886039680, ClinGen allele CA10588597.